The following is an entry in ClinVar:

NM_000400.4(ERCC2):c.345G>T (p.Leu115Phe)

Gene: ERCC2 (ERCC excision repair 2, TFIIH core complex helicase subunit; minus strand). Cytogenetic location: 19q13.32.
Variant type: single nucleotide variant.
Coding change: c.345G>T on transcript NM_000400.4 (MANE Select); coding-DNA position 345, G replaced by T.
Protein change: p.Leu115Phe; replaces leucine 115 with phenylalanine.
Molecular consequence: missense variant.
Genome position (GRCh38, 1-based): chr19:45,368,645, C>A on the plus strand (G>T on the coding strand, the complement: ERCC2 is on the minus strand). VCF-style: chr19-45368645-C-A. GRCh37 (hg19) VCF-style: chr19-45871903-C-A.
Other names: c.273G>T, p.Leu91Phe (NM_001130867.2); short protein forms L91F, L115F.
Identifiers: ClinVar variation 2050183 (VCV002050183.4), dbSNP rs2514043656, ClinGen allele CA406378013.
Genomic context (GRCh38, chr19:45,368,645, plus strand): 5'-TCTCTACCTCTGGGCTAAGGGCAAGGAGAAGGAACAGGTGCTCACCTCAGGGTGAATACA[C>A]AAGTTTTTGCGGGAGCTCAGAGCCAGTCCCAGAAACGGCAGCTTCTCGCCCTCCTGCTTC-3'
Protein context (NP_000391.1, residues 105-125): LGLALSSRKN[Leu115Phe]CIHPEVTPLR

ClinVar aggregate classification (germline): Uncertain significance (1 of 4 stars; one submission).

Submission:

Labcorp Genetics (formerly Invitae), Labcorp
Classification: Uncertain significance. Last evaluated: 2021-12-20. Review status: criteria provided, single submitter. Criteria: Invitae Variant Classification Sherloc (09022015). Collection method: clinical testing. Allele origin: germline.
Comment: This variant is not present in population databases (gnomAD no frequency). This sequence change replaces leucine, which is neutral and non-polar, with phenylalanine, which is neutral and non-polar, at codon 115 of the ERCC2 protein (p.Leu115Phe). This variant has not been reported in the literature in individuals affected with ERCC2-related conditions. Algorithms developed to predict the effect of missense changes on protein structure and function are either unavailable or do not agree on the potential impact of this missense change (SIFT: "Deleterious"; PolyPhen-2: "Probably Damaging"; Align-GVGD: "Class C0"). In summary, the available evidence is currently insufficient to determine the role of this variant in disease. Therefore, it has been classified as a Variant of Uncertain Significance.